The following is an entry in ClinVar:

ClinVar aggregate classification (germline): Likely pathogenic (1 of 4 stars; one submission).

Conditions:
Ellis-van Creveld syndrome (EVC). Also called: Chondroectodermal dysplasia; EVC-Related Ellis-van Creveld Syndrome; EVC2-Related Ellis-van Creveld Syndrome; MESOECTODERMAL DYSPLASIA. Identifiers: Orphanet 289, MedGen C0013903, MONDO:0009162, OMIM 225500.

Submission:

Natera, Inc.
Classification: Likely pathogenic for Ellis-van Creveld syndrome. Last evaluated: 2025-05-22. Review status: criteria provided, single submitter. Criteria: Natera Variant Classification Schema (03/2026). Collection method: clinical testing. Allele origin: germline.
Comment: The c.175-1G>A variant in EVC is a canonical splice acceptor site variant predicted to affect pre-mRNA splicing, which may result in an abnormal transcript and altered protein product. This variant may result in a truncated or dysfunctional protein product. This variant is rare in the general population with a frequency below the threshold expected for the associated phenotype(s). Another variant at this same site results in an alteration predicted to cause a similar molecular effect has been observed in individual(s) with the associated phenotype. Given the available evidence, this variant is classified as Likely Pathogenic.

NM_153717.3(EVC):c.175-1G>A

Gene: EVC (EvC ciliary complex subunit 1; plus strand). Cytogenetic location: 4p16.2.
Variant type: single nucleotide variant.
Coding change: c.175-1G>A on transcript NM_153717.3 (MANE Select); the canonical splice acceptor site of the intron before coding-DNA position 175, G replaced by A.
Molecular consequence: splice acceptor variant.
Genome position (GRCh38, 1-based): chr4:5,719,247, G>A. VCF-style: chr4-5719247-G-A. GRCh37 (hg19) VCF-style: chr4-5720974-G-A.
Other names: c.175-1G>A (NM_001306090.2, NM_001306092.2).
Identifiers: ClinVar variation 4816926 (VCV004816926.1).